The following is an entry in ClinVar:

ClinVar aggregate classification (germline): Uncertain significance. Review status: criteria provided, single submitter (1 of 4 stars). 2 submissions from 2 submitters: Uncertain significance (1). 1 of the submissions does not count toward it. Last evaluated 2024-06-24.

Conditions:
Usher syndrome type 2A. Also called: USHER SYNDROME, TYPE IIA; RETINAL DISEASE IN USHER SYNDROME TYPE IIA, MODIFIER OF. Identifiers: Orphanet 231178, Orphanet 886, MedGen C1848634, MONDO:0010169, OMIM 276901.

gnomAD v4.1: 1 of 1,613,442 alleles (0.000062%); no homozygotes.

Submissions (2):

Women's Health and Genetics/Laboratory Corporation of America, LabCorp
Classification: Uncertain significance. Last evaluated: 2024-06-24. Review status: criteria provided, single submitter. Criteria: LabCorp Variant Classification Summary - May 2015. Collection method: clinical testing. Allele origin: germline.
Comment: Variant summary: USH2A c.1256G>A (p.Cys419Tyr) results in a non-conservative amino acid change located in the Laminin, N-terminal domain (IPR008211) of the encoded protein sequence. Five of five in-silico tools predict a damaging effect of the variant on protein function. The variant was absent in 250184 control chromosomes. c.1256G>A has been reported in the literature in at least one compound heterozygous individual affected with Inherited Retinal Disease (Sheck_2021) and at least one individual affected with Usher Syndrome with unknown zygosity (Hufnagel_2022). These data do not allow any conclusion about variant significance. A different variant affecting the same codon has been classified as pathogenic by our lab (c.1256G>T, p.Cys419Phe), supporting the critical relevance of codon 419 to USH2A protein function. To our knowledge, no experimental evidence demonstrating an impact on protein function has been reported. The following publications have been ascertained in the context of this evaluation (PMID: 35266249, 33749171). No submitters have cited clinical-significance assessments for this variant to ClinVar. Based on the evidence outlined above, the variant was classified as VUS-possibly pathogenic.

Natera, Inc.
Classification: Uncertain significance for Usher syndrome type 2A. Last evaluated: 2025-03-03. Review status: no assertion criteria provided. Collection method: clinical testing. Allele origin: germline. Not counted in ClinVar's aggregate classification.

Literature cited by the submitters: PubMed 33749171 (cited by Women's Health and Genetics/Laboratory Corporation of America, LabCorp); PubMed 35266249 (cited by Women's Health and Genetics/Laboratory Corporation of America, LabCorp).

NM_206933.4(USH2A):c.1256G>A (p.Cys419Tyr)

Gene: USH2A (usherin; minus strand). Cytogenetic location: 1q41.
Variant type: single nucleotide variant.
Coding change: c.1256G>A on transcript NM_206933.4 (MANE Select); coding-DNA position 1256, G replaced by A.
Protein change: p.Cys419Tyr; replaces cysteine 419 with tyrosine.
Molecular consequence: missense variant.
Genome position (GRCh38, 1-based): chr1:216,324,240, C>T on the plus strand (G>A on the coding strand, the complement: USH2A is on the minus strand). VCF-style: chr1-216324240-C-T. GRCh37 (hg19) VCF-style: chr1-216497582-C-T.
Other names: c.1256G>A, p.Cys419Tyr (NM_007123.6); c.1256G>A (NM_206933.2); short protein forms C419Y.
Identifiers: ClinVar variation 3339836 (VCV003339836.2).
Genomic context (GRCh38, chr1:216,324,240, plus strand): 5'-AGACAGTTGACAGAATCAGGTTTTTCCAAATCTCCATTGTTTTTCATTCCAAAAGCACCA[C>T]AATTCCTGGCAAAATATTGCCAGTCCTCCCAATCTAAACTATTTTCCTTCTTCCTTTGAA-3'
Protein context (NP_996816.3, residues 409-429): WEDWQYFARN[Cys419Tyr]GAFGMKNNGD